The following is an entry in ClinVar:

ClinVar aggregate classification (germline): Uncertain significance (1 of 4 stars; one submission).

Conditions:
Hereditary cancer-predisposing syndrome. Also called: Neoplastic Syndromes, Hereditary; Tumor predisposition; Hereditary neoplastic syndrome; Hereditary Cancer Syndrome. Identifiers: Orphanet 140162, MedGen C0027672, MeSH D009386, MONDO:0015356.

Submission:

Ambry Genetics
Classification: Uncertain significance for Hereditary cancer-predisposing syndrome. Last evaluated: 2025-04-10. Review status: criteria provided, single submitter. Criteria: Ambry Variant Classification Scheme 2023. Collection method: clinical testing. Allele origin: germline.
Comment: The p.A1269G variant (also known as c.3806C>G), located in coding exon 18 of the MET gene, results from a C to G substitution at nucleotide position 3806. The alanine at codon 1269 is replaced by glycine, an amino acid with similar properties. This amino acid position is highly conserved in available vertebrate species. In addition, this alteration is predicted to be deleterious by in silico analysis. Based on the available evidence, the clinical significance of this variant remains unclear.

NM_000245.4(MET):c.3752C>G (p.Ala1251Gly)

Gene: MET (MET proto-oncogene, receptor tyrosine kinase; plus strand). Cytogenetic location: 7q31.2.
Variant type: single nucleotide variant.
Coding change: c.3752C>G on transcript NM_000245.4 (MANE Select); coding-DNA position 3752, C replaced by G.
Protein change: p.Ala1251Gly; replaces alanine 1251 with glycine.
Molecular consequence: missense variant.
Genome position (GRCh38, 1-based): chr7:116,783,423, C>G. VCF-style: chr7-116783423-C-G. GRCh37 (hg19) VCF-style: chr7-116423477-C-G.
Other names: c.3806C>G, p.Ala1269Gly (NM_001127500.3); c.2462C>G, p.Ala821Gly (NM_001324402.2); short protein forms A821G, A1269G, A1251G.
Identifiers: ClinVar variation 4053928 (VCV004053928.1).